The following is an entry in ClinVar:

ClinVar aggregate classification (germline): Uncertain significance (1 of 4 stars; one submission).

Submission:

Labcorp Genetics (formerly Invitae), Labcorp
Classification: Uncertain significance. Last evaluated: 2024-02-17. Review status: criteria provided, single submitter. Criteria: Invitae Variant Classification Sherloc (09022015). Collection method: clinical testing. Allele origin: germline.
Comment: This sequence change replaces valine, which is neutral and non-polar, with alanine, which is neutral and non-polar, at codon 381 of the RIMS1 protein (p.Val381Ala). This variant is not present in population databases (gnomAD no frequency). This variant has not been reported in the literature in individuals affected with RIMS1-related conditions. An algorithm developed to predict the effect of missense changes on protein structure and function (PolyPhen-2) suggests that this variant is likely to be tolerated. In summary, the available evidence is currently insufficient to determine the role of this variant in disease. Therefore, it has been classified as a Variant of Uncertain Significance.

NM_014989.7(RIMS1):c.1142T>C (p.Val381Ala)

Gene: RIMS1 (regulating synaptic membrane exocytosis 1; plus strand). Cytogenetic location: 6q13.
Variant type: single nucleotide variant.
Coding change: c.1142T>C on transcript NM_014989.7 (MANE Select); coding-DNA position 1142, T replaced by C.
Protein change: p.Val381Ala; replaces valine 381 with alanine.
Molecular consequence: missense variant.
Genome position (GRCh38, 1-based): chr6:72,182,613, T>C. VCF-style: chr6-72182613-T-C. GRCh37 (hg19) VCF-style: chr6-72892316-T-C.
Other names: short protein forms V381A.
Identifiers: ClinVar variation 3614903 (VCV003614903.2).